The following is an entry in ClinVar:

NM_006648.4(WNK2):c.6077C>T (p.Ser2026Phe)

Gene: WNK2 (WNK lysine deficient protein kinase 2; plus strand). Cytogenetic location: 9q22.31.
Variant type: single nucleotide variant.
Coding change: c.6077C>T on transcript NM_006648.4 (MANE Select); coding-DNA position 6077, C replaced by T.
Protein change: p.Ser2026Phe; replaces serine 2026 with phenylalanine.
Molecular consequence: missense variant.
Genome position (GRCh38, 1-based): chr9:93,299,223, C>T. VCF-style: chr9-93299223-C-T. GRCh37 (hg19) VCF-style: chr9-96061505-C-T.
Other names: c.6188C>T, p.Ser2063Phe (NM_001282394.3); short protein forms S2063F, S2026F.
Identifiers: ClinVar variation 3470646 (VCV003470646.1).

ClinVar aggregate classification (germline): Uncertain significance (1 of 4 stars; one submission).

gnomAD v4.1: 6 of 1,585,540 alleles (0.00038%); highest among the groups gnomAD compares: African/African-American, 0.0054%; no homozygotes.

Submission:

Ambry Genetics
Classification: Uncertain significance. Last evaluated: 2024-12-08. Review status: criteria provided, single submitter. Criteria: Ambry Variant Classification Scheme 2023. Collection method: clinical testing. Allele origin: germline.
Comment: The p.S2026F variant (also known as c.6077C>T), located in coding exon 24 of the WNK2 gene, results from a C to T substitution at nucleotide position 6077. The serine at codon 2026 is replaced by phenylalanine, an amino acid with highly dissimilar properties. This amino acid position is conserved. In addition, the in silico prediction for this alteration is inconclusive. Based on the available evidence, the clinical significance of this variant remains unclear.